The following is an entry in ClinVar:

ClinVar aggregate classification (germline): Uncertain significance (1 of 4 stars; one submission).

Conditions:
DICER1-related tumor predisposition. Also called: DICER1 syndrome; DICER1-related pleuropulmonary blastoma cancer predisposition syndrome. Identifiers: Orphanet 284343, MedGen C3839822, MONDO:0100216.

Submission:

Labcorp Genetics (formerly Invitae), Labcorp
Classification: Uncertain significance for DICER1-related tumor predisposition. Last evaluated: 2025-02-12. Review status: criteria provided, single submitter. Criteria: Invitae Variant Classification Sherloc (09022015). Collection method: clinical testing. Allele origin: germline.
Comment: This sequence change replaces arginine, which is basic and polar, with serine, which is neutral and polar, at codon 935 of the DICER1 protein (p.Arg935Ser). This variant is not present in population databases (gnomAD no frequency). This variant has not been reported in the literature in individuals affected with DICER1-related conditions. ClinVar contains an entry for this variant (Variation ID: 1023017). Invitae Evidence Modeling of protein sequence and biophysical properties (such as structural, functional, and spatial information, amino acid conservation, physicochemical variation, residue mobility, and thermodynamic stability) indicates that this missense variant is not expected to disrupt DICER1 protein function with a negative predictive value of 95%. In summary, the available evidence is currently insufficient to determine the role of this variant in disease. Therefore, it has been classified as a Variant of Uncertain Significance.

NM_177438.3(DICER1):c.2805A>T (p.Arg935Ser)

Gene: DICER1 (dicer 1, ribonuclease III; minus strand). Cytogenetic location: 14q32.13.
Variant type: single nucleotide variant.
Coding change: c.2805A>T on transcript NM_177438.3 (MANE Select); coding-DNA position 2805, A replaced by T.
Protein change: p.Arg935Ser; replaces arginine 935 with serine.
Molecular consequence: missense variant.
Genome position (GRCh38, 1-based): chr14:95,106,223, T>A on the plus strand (A>T on the coding strand, the complement: DICER1 is on the minus strand). VCF-style: chr14-95106223-T-A. GRCh37 (hg19) VCF-style: chr14-95572560-T-A.
Other names: c.2805A>T, p.Arg935Ser (NM_001195573.1, NM_001271282.3, NM_001291628.2 and 1 more transcripts); short protein forms R935S.
Identifiers: ClinVar variation 1023017 (VCV001023017.10), dbSNP rs1595374361, ClinGen allele CA390879333.